The following is an entry in ClinVar:

NC_000005.9:g.(?_86669960)_(86670753_?)del

Gene: RASA1 (RAS p21 protein activator 1; plus strand). Cytogenetic location: 5q14.3.
Variant type: Deletion.
Identifiers: ClinVar variation 3246331 (VCV003246331.1).

ClinVar aggregate classification (germline): Pathogenic (1 of 4 stars; one submission).

Conditions:
Capillary malformation-arteriovenous malformation syndrome. Also called: Capillary malformation-arteriovenous malformation. Identifiers: Orphanet 137667, MedGen C1842180, MONDO:0012016.

Submission:

Labcorp Genetics (formerly Invitae), Labcorp
Classification: Pathogenic for Capillary malformation-arteriovenous malformation syndrome. Last evaluated: 2023-10-10. Review status: criteria provided, single submitter. Criteria: Invitae Variant Classification Sherloc (09022015). Collection method: clinical testing. Allele origin: unknown.
Comment: This variant is a gross deletion of the genomic region encompassing exon(s) 14-15 of the RASA1 gene. This deletion is out-of-frame, and is expected to create a premature termination codon and result in an absent or disrupted protein product. Loss-of-function variants in RASA1 are known to be pathogenic (PMID: 24038909). This variant has not been reported in the literature in individuals affected with RASA1-related conditions. For these reasons, this variant has been classified as Pathogenic.

Literature cited by the submitters: PubMed 24038909.